The following is an entry in ClinVar:

ClinVar aggregate classification (germline): Uncertain significance. Review status: criteria provided, multiple submitters, no conflicts (2 of 4 stars). 2 submissions from 2 submitters: Uncertain significance (2). Last evaluated 2024-12-11.

Conditions:
Inborn genetic diseases. Identifiers: MedGen C0950123, MeSH D030342.
Holoprosencephaly sequence (HPE). Also called: Holoprosencephaly. Identifiers: Orphanet 2162, MedGen C0079541, MONDO:0016296, HP:0001360.

Allele frequency attached by ClinVar (database versions not stated): ExAC 0.00001; gnomAD 0.00002; TOPMed 0.00002.
gnomAD v4.1: 25 of 1,609,120 alleles (0.0016%); highest among the groups gnomAD compares: Non-Finnish European, 0.0021%; no homozygotes.

Submissions (2):

Ambry Genetics
Classification: Uncertain significance for Inborn genetic diseases. Last evaluated: 2024-12-11. Review status: criteria provided, single submitter. Criteria: Ambry Variant Classification Scheme 2023. Collection method: clinical testing. Allele origin: germline.

Labcorp Genetics (formerly Invitae), Labcorp
Classification: Uncertain significance for Holoprosencephaly sequence. Last evaluated: 2023-03-22. Review status: criteria provided, single submitter. Criteria: Invitae Variant Classification Sherloc (09022015). Collection method: clinical testing. Allele origin: germline.
Comment: This sequence change replaces serine, which is neutral and polar, with tyrosine, which is neutral and polar, at codon 176 of the FOXH1 protein (p.Ser176Tyr). This variant is present in population databases (rs758309990, gnomAD 0.002%). This variant has not been reported in the literature in individuals affected with FOXH1-related conditions. ClinVar contains an entry for this variant (Variation ID: 2328454). Advanced modeling of protein sequence and biophysical properties (such as structural, functional, and spatial information, amino acid conservation, physicochemical variation, residue mobility, and thermodynamic stability) performed at Invitae indicates that this missense variant is not expected to disrupt FOXH1 protein function. In summary, the available evidence is currently insufficient to determine the role of this variant in disease. Therefore, it has been classified as a Variant of Uncertain Significance.

NM_003923.3(FOXH1):c.527C>A (p.Ser176Tyr)

Gene: FOXH1 (forkhead box H1; minus strand). Cytogenetic location: 8q24.3.
Variant type: single nucleotide variant.
Coding change: c.527C>A on transcript NM_003923.3 (MANE Select); coding-DNA position 527, C replaced by A.
Protein change: p.Ser176Tyr; replaces serine 176 with tyrosine.
Molecular consequence: missense variant.
Genome position (GRCh38, 1-based): chr8:144,474,809, G>T on the plus strand (C>A on the coding strand, the complement: FOXH1 is on the minus strand). VCF-style: chr8-144474809-G-T. GRCh37 (hg19) VCF-style: chr8-145700192-G-T.
Other names: short protein forms S176Y.
Identifiers: ClinVar variation 2328454 (VCV002328454.6), dbSNP rs758309990, ClinGen allele CA4945510.